The following is an entry in ClinVar:

NM_152443.3(RDH12):c.230A>G (p.Glu77Gly)

Genes: RDH12 (retinol dehydrogenase 12; plus strand), GPHN (gephyrin; plus strand). Cytogenetic location: 14q24.1.
Variant type: single nucleotide variant.
Coding change: c.230A>G on transcript NM_152443.3 (MANE Select); coding-DNA position 230, A replaced by G.
Protein change: p.Glu77Gly; replaces glutamic acid 77 with glycine.
Molecular consequence: missense variant.
Genome position (GRCh38, 1-based): chr14:67,725,141, A>G. VCF-style: chr14-67725141-A-G. GRCh37 (hg19) VCF-style: chr14-68191858-A-G.
Other names: short protein forms E77G.
Identifiers: ClinVar variation 2809848 (VCV002809848.3), dbSNP rs2503798146, ClinGen allele CA390148565.

ClinVar aggregate classification (germline): Uncertain significance (1 of 4 stars; one submission).

Conditions:
Leber congenital amaurosis 13 (LCA13). Identifiers: MedGen C2675186, MONDO:0012990, OMIM 612712.

Allele frequency attached by ClinVar (database versions not stated): gnomAD exomes below 0.00001.
gnomAD v4.1: 2 of 1,614,042 alleles (0.00012%); highest among the groups gnomAD compares: Non-Finnish European, 0.000085%; no homozygotes.

Submission:

Labcorp Genetics (formerly Invitae), Labcorp
Classification: Uncertain significance for Leber congenital amaurosis 13. Last evaluated: 2023-08-27. Review status: criteria provided, single submitter. Criteria: Invitae Variant Classification Sherloc (09022015). Collection method: clinical testing. Allele origin: germline.
Comment: In summary, the available evidence is currently insufficient to determine the role of this variant in disease. Therefore, it has been classified as a Variant of Uncertain Significance. Advanced modeling of protein sequence and biophysical properties (such as structural, functional, and spatial information, amino acid conservation, physicochemical variation, residue mobility, and thermodynamic stability) performed at Invitae indicates that this missense variant is not expected to disrupt RDH12 protein function. This variant has not been reported in the literature in individuals affected with RDH12-related conditions. This variant is not present in population databases (gnomAD no frequency). This sequence change replaces glutamic acid, which is acidic and polar, with glycine, which is neutral and non-polar, at codon 77 of the RDH12 protein (p.Glu77Gly).